The following is an entry in ClinVar:

NM_001048174.2(MUTYH):c.850-10T>A

Gene: MUTYH (mutY DNA glycosylase; minus strand). Cytogenetic location: 1p34.1.
Variant type: single nucleotide variant.
Coding change: c.850-10T>A on transcript NM_001048174.2 (MANE Select); 10 bases into the intron before coding-DNA position 850, T replaced by A.
Molecular consequence: intron variant.
Genome position (GRCh38, 1-based): chr1:45,332,096, A>T on the plus strand (T>A on the coding strand, the complement: MUTYH is on the minus strand). VCF-style: chr1-45332096-A-T. GRCh37 (hg19) VCF-style: chr1-45797768-A-T.
Other names: c.505-10T>A (NM_001350651.2, NM_001350650.2); c.574-10T>A (NM_001293192.2, NM_001293196.2); c.850-10T>A (NM_001048171.2, NM_001048173.2, NM_001293195.2); c.895-10T>A (NM_001293190.2); c.925-10T>A (NM_012222.3); c.934-10T>A (NM_001128425.2); c.853-10T>A (NM_001048172.2); c.883-10T>A (NM_001293191.2).
Identifiers: ClinVar variation 654026 (VCV000654026.10), dbSNP rs1570396447, ClinGen allele CA915941268.

ClinVar aggregate classification (germline): Uncertain significance. Review status: criteria provided, multiple submitters, no conflicts (2 of 4 stars). 2 submissions from 2 submitters: Uncertain significance (2). Last evaluated 2024-08-28.

Conditions:
Hereditary cancer-predisposing syndrome. Also called: Tumor predisposition; Neoplastic Syndromes, Hereditary; Hereditary Cancer Syndrome; Hereditary neoplastic syndrome. Identifiers: Orphanet 140162, MedGen C0027672, MeSH D009386, MONDO:0015356.
Familial adenomatous polyposis 2. Also called: COLORECTAL ADENOMATOUS POLYPOSIS, AUTOSOMAL RECESSIVE; ADENOMAS, MULTIPLE COLORECTAL, AUTOSOMAL RECESSIVE; MYH-associated polyposis; MUTYH Polyposis; Adenomas, multiple colorectal; MUTYH-associated polyposis. Identifiers: Orphanet 220460, Orphanet 247798, MedGen C3272841, MONDO:0012041, OMIM 608456.

Allele frequency attached by ClinVar (database versions not stated): gnomAD exomes below 0.00001.
gnomAD v4.1: 3 of 1,614,178 alleles (0.00019%); highest among the groups gnomAD compares: Non-Finnish European, 0.00025%; no homozygotes.

Submissions (2):

Color Diagnostics, LLC DBA Color Health
Classification: Uncertain significance for Hereditary cancer-predisposing syndrome. Last evaluated: 2024-08-28. Review status: criteria provided, single submitter. Criteria: ACMG Guidelines, 2015. Collection method: clinical testing. Allele origin: germline.
Comment: This variant causes a T to A nucleotide substitution at the -10 position of intron 10/15 of the MUTYH gene. Splice site prediction tools suggest that this variant may impact RNA splicing. To our knowledge, RNA studies have not been reported for this variant. This variant has been reported in the compound heterozygous state in an individual affected with MUTYH-associated polyposis (ClinVar Accession: SCV000950093.5). This variant has not been identified in the general population by the Genome Aggregation Database (gnomAD). The available evidence is insufficient to determine the role of this variant in disease conclusively. Therefore, this variant is classified as a Variant of Uncertain Significance.

Labcorp Genetics (formerly Invitae), Labcorp
Classification: Uncertain significance for Familial adenomatous polyposis 2. Last evaluated: 2019-07-01. Review status: criteria provided, single submitter. Criteria: Invitae Variant Classification Sherloc (09022015). Collection method: clinical testing. Allele origin: germline.
Comment: In summary, the available evidence is currently insufficient to determine the role of this variant in disease. Therefore, it has been classified as a Variant of Uncertain Significance. Algorithms developed to predict the effect of sequence changes on RNA splicing suggest that this variant may disrupt the consensus splice site, but this prediction has not been confirmed by published transcriptional studies. In at least one individual the data is consistent with the variant being in trans (on the opposite chromosome) from a pathogenic variant. This variant is not present in population databases (ExAC no frequency). This sequence change falls in intron 10 of the MUTYH gene. It does not directly change the encoded amino acid sequence of the MUTYH protein.